The following is an entry in ClinVar:

NM_006361.6(HOXB13):c.28G>A (p.Asp10Asn)

Gene: HOXB13 (homeobox B13; minus strand). Cytogenetic location: 17q21.32.
Variant type: single nucleotide variant.
Coding change: c.28G>A on transcript NM_006361.6 (MANE Select); coding-DNA position 28, G replaced by A.
Protein change: p.Asp10Asn; replaces aspartic acid 10 with asparagine.
Molecular consequence: missense variant.
Genome position (GRCh38, 1-based): chr17:48,728,566, C>T on the plus strand (G>A on the coding strand, the complement: HOXB13 is on the minus strand). VCF-style: chr17-48728566-C-T. GRCh37 (hg19) VCF-style: chr17-46805928-C-T.
Other names: short protein forms D10N.
Identifiers: ClinVar variation 5022698 (VCV005022698.1).

ClinVar aggregate classification (germline): Uncertain significance (1 of 4 stars; one submission).

Conditions:
Hereditary cancer-predisposing syndrome. Also called: Neoplastic Syndromes, Hereditary; Tumor predisposition; Hereditary neoplastic syndrome; Hereditary Cancer Syndrome. Identifiers: Orphanet 140162, MedGen C0027672, MeSH D009386, MONDO:0015356.

Submission:

Ambry Genetics
Classification: Uncertain significance for Hereditary cancer-predisposing syndrome. Last evaluated: 2026-06-23. Review status: criteria provided, single submitter. Criteria: Ambry Variant Classification Scheme 2023. Collection method: clinical testing. Allele origin: germline.
Comment: The p.D10N variant (also known as c.28G>A), located in coding exon 1 of the HOXB13 gene, results from a G to A substitution at nucleotide position 28. The aspartic acid at codon 10 is replaced by asparagine, an amino acid with highly similar properties. This amino acid position is highly conserved in available vertebrate species. In addition, this alteration is predicted to be tolerated by in silico analysis. Based on the available evidence, the clinical significance of this variant remains unclear.